The following is an entry in ClinVar:

ClinVar aggregate classification (germline): Uncertain significance (1 of 4 stars; one submission).

Conditions:
Autosomal recessive limb-girdle muscular dystrophy type 2J (LGMDR10). Also called: MUSCULAR DYSTROPHY, LIMB-GIRDLE, AUTOSOMAL RECESSIVE 10; Limb-girdle muscular dystrophy, type 2J. Identifiers: Orphanet 140922, MedGen C1837342, MONDO:0012127, OMIM 608807.
Dilated cardiomyopathy 1G (CMD1G). Identifiers: Orphanet 154, MedGen C1858763, MONDO:0011400, OMIM 604145.

Submission:

Labcorp Genetics (formerly Invitae), Labcorp
Classification: Uncertain significance for Dilated cardiomyopathy 1G; Autosomal recessive limb-girdle muscular dystrophy type 2J. Last evaluated: 2025-05-11. Review status: criteria provided, single submitter. Criteria: Invitae Variant Classification Sherloc (09022015). Collection method: clinical testing. Allele origin: germline.
Comment: This sequence change replaces lysine, which is basic and polar, with arginine, which is basic and polar, at codon 35393 of the TTN protein (p.Lys35393Arg). This variant is not present in population databases (gnomAD no frequency). This variant has not been reported in the literature in individuals affected with TTN-related conditions. Experimental studies and prediction algorithms are not available or were not evaluated, and the functional significance of this variant is currently unknown. This variant is located in the M band of TTN (PMID: 25589632). Non-truncating variants in this region may be relevant for neuromuscular disorders, but have not been definitively shown to cause cardiomyopathy (PMID: 23975875). In summary, the available evidence is currently insufficient to determine the role of this variant in disease. Therefore, it has been classified as a Variant of Uncertain Significance.

Literature cited by the submitters: PubMed 25589632; PubMed 23975875.

NM_001267550.2(TTN):c.106178A>G (p.Lys35393Arg)

Genes: TTN-AS1 (TTN antisense RNA 1; plus strand), TTN (titin; minus strand), LOC129935182 (ATAC-STARR-seq lymphoblastoid active region 16807; plus strand). Cytogenetic location: 2q31.2.
Variant type: single nucleotide variant.
Coding change: c.106178A>G on transcript NM_001267550.2 (MANE Select); coding-DNA position 106178, A replaced by G.
Protein change: p.Lys35393Arg; replaces lysine 35393 with arginine.
Molecular consequence: missense variant.
Genome position (GRCh38, 1-based): chr2:178,530,437, T>C on the plus strand (A>G on the coding strand, the complement: TTN is on the minus strand). VCF-style: chr2-178530437-T-C. GRCh37 (hg19) VCF-style: chr2-179395164-T-C.
Other names: c.101255A>G, p.Lys33752Arg (NM_001256850.1); c.78983A>G, p.Lys26328Arg (NM_003319.4); c.98474A>G, p.Lys32825Arg (NM_133378.4); c.79358A>G, p.Lys26453Arg (NM_133432.3); c.79559A>G, p.Lys26520Arg (NM_133437.4); short protein forms K26328R, K32825R, K35393R, K26520R, K33752R, K26453R.
Identifiers: ClinVar variation 4794709 (VCV004794709.1).